The following is an entry in ClinVar:

ClinVar aggregate classification (germline): Benign/Likely benign. Review status: criteria provided, multiple submitters, no conflicts (2 of 4 stars). 3 submissions from 3 submitters: Benign (1); Likely benign (1). 1 of the submissions does not count toward it. Last evaluated 2025-03-19.

Conditions:
SMAD4-related disorder. Also called: SMAD4-related condition; SMAD4-Related disorders.
Juvenile polyposis syndrome (JPS). Identifiers: Orphanet 2929, MedGen C0345893, MONDO:0017380, OMIM 174900.
Juvenile polyposis/hereditary hemorrhagic telangiectasia syndrome (JPHT). Also called: JP/HHT SYNDROME; JUVENILE POLYPOSIS WITH HEREDITARY HEMORRHAGIC TELANGIECTASIA; POLYPOSIS, GENERALIZED JUVENILE, WITH PULMONARY ARTERIOVENOUS MALFORMATION; TELANGIECTASIA, HEREDITARY HEMORRHAGIC, WITH JUVENILE POLYPOSIS COLI; Juvenile Polyposis Syndrome / Hereditary Hemorrhagic Telangiectasia (JPS/HHT). Identifiers: Orphanet 2929, MedGen C1832942, MONDO:0008278, OMIM 175050.

Submissions (3):

Myriad Genetics, Inc.
Classification: Benign for Juvenile polyposis/hereditary hemorrhagic telangiectasia syndrome. Last evaluated: 2025-03-19. Review status: criteria provided, single submitter. Criteria: Myriad Autosomal Dominant, Autosomal Recessive and X-Linked Classification Criteria (2023). Collection method: clinical testing. Allele origin: unknown.
Comment: This variant is considered benign. This variant is a silent/synonymous amino acid change and it is not expected to impact splicing.

Labcorp Genetics (formerly Invitae), Labcorp
Classification: Likely benign for Juvenile polyposis syndrome. Last evaluated: 2024-04-16. Review status: criteria provided, single submitter. Criteria: Invitae Variant Classification Sherloc (09022015). Collection method: clinical testing. Allele origin: germline.

PreventionGenetics, part of Exact Sciences
Classification: Likely benign for SMAD4-related condition. Last evaluated: 2022-02-24. Review status: no assertion criteria provided. Collection method: clinical testing. Allele origin: germline. Not counted in ClinVar's aggregate classification.
Comment: This variant is classified as likely benign based on ACMG/AMP sequence variant interpretation guidelines (Richards et al. 2015 PMID: 25741868, with internal and published modifications).

NM_005359.6(SMAD4):c.444G>T (p.Leu148=)

Gene: SMAD4 (SMAD family member 4; plus strand). Cytogenetic location: 18q21.2.
Variant type: single nucleotide variant.
Coding change: c.444G>T on transcript NM_005359.6 (MANE Select); coding-DNA position 444, G replaced by T.
Protein change: p.Leu148=; no amino-acid change (leucine 148 retained).
Molecular consequence: synonymous variant.
Genome position (GRCh38, 1-based): chr18:51,049,314, G>T. VCF-style: chr18-51049314-G-T. GRCh37 (hg19) VCF-style: chr18-48575684-G-T.
Other names: c.444G>T (NM_005359.5).
Identifiers: ClinVar variation 1099165 (VCV001099165.12), dbSNP rs2144407664, ClinGen allele CA503873657.
Genomic context (GRCh38, chr18:51,049,314, plus strand): 5'-ATGATTAATGTTTCATTTGTTTTCCCCTTTAAACAATTAAGATCTCTCAGGATTAACACT[G>T]CAGAGTAATGGTAGGTAATCTGTTTCTTACTACTTTCTCTTTGTTTTGTCCTATCCTCTC-3'
Protein context (NP_005350.1, residues 138-158): SPGIDLSGLT[Leu148=]QSNAPSSMMV